The following is an entry in ClinVar:

ClinVar aggregate classification (germline): Likely benign. Review status: criteria provided, multiple submitters, no conflicts (2 of 4 stars). 3 submissions from 3 submitters: Likely benign (3). Last evaluated 2025-04-17.

Conditions:
Primary familial hypertrophic cardiomyopathy (HCM). Identifiers: Orphanet 99739, MedGen C0949658, MeSH D024741, MONDO:0024573. Inheritance: Various modes of inheritance.

Allele frequency attached by ClinVar (database versions not stated): ExAC 0.00002; gnomAD exomes 0.00002 and 0.00004; gnomAD 0.00003 and 0.00004; TOPMed 0.00005.
gnomAD v4.1: 66 of 1,606,358 alleles (0.0041%); highest among the groups gnomAD compares: Middle Eastern, 0.017%; no homozygotes.

Submissions (3):

Labcorp Genetics (formerly Invitae), Labcorp
Classification: Likely benign for Primary familial hypertrophic cardiomyopathy. Last evaluated: 2025-04-17. Review status: criteria provided, single submitter. Criteria: Invitae Variant Classification Sherloc (09022015). Collection method: clinical testing. Allele origin: germline.

Blueprint Genetics
Classification: Likely benign. Last evaluated: 2024-11-06. Review status: criteria provided, single submitter. Criteria: ACMG Guidelines, 2015. Collection method: clinical testing. Allele origin: germline.

GeneDx
Classification: Likely benign. Last evaluated: 2016-04-01. Review status: criteria provided, single submitter. Criteria: GeneDx Variant Classification (06012015). Collection method: clinical testing. Allele origin: germline. Affected: yes.
Comment: This variant is considered likely benign or benign based on one or more of the following criteria: it is a conservative change, it occurs at a poorly conserved position in the protein, it is predicted to be benign by multiple in silico algorithms, and/or has population frequency not consistent with disease.

NM_004517.4(ILK):c.351+10C>T

Genes: ILK (integrin linked kinase; plus strand), TAF10 (TATA-box binding protein associated factor 10; minus strand). Cytogenetic location: 11p15.4.
Variant type: single nucleotide variant.
Coding change: c.351+10C>T on transcript NM_004517.4 (MANE Select); 10 bases into the intron after coding-DNA position 351, C replaced by T.
Molecular consequence: intron variant. On other transcripts: 3 prime UTR variant (1).
Genome position (GRCh38, 1-based): chr11:6,608,499, C>T. VCF-style: chr11-6608499-C-T. GRCh37 (hg19) VCF-style: chr11-6629729-C-T.
Other names: c.*2423G>A (NM_006284.4); c.351+10C>T (NM_001014795.3, NM_001278441.2, NM_001014794.3); c.-52+10C>T (NM_001278442.2).
Identifiers: ClinVar variation 385263 (VCV000385263.11), dbSNP rs781209717, ClinGen allele CA5858018.